The following is an entry in ClinVar:

NC_000023.10:g.(?_14861689)_(14877476_?)dup

Gene: FANCB (FA complementation group B; minus strand). Cytogenetic location: Xp22.2.
Variant type: Duplication.
Identifiers: ClinVar variation 2423480 (VCV002423480.3).

ClinVar aggregate classification (germline): Uncertain significance (1 of 4 stars; one submission).

Conditions:
Fanconi anemia (FA). Also called: Fanconi's anemia. Identifiers: Orphanet 84, MedGen C0015625, MeSH D005199, MONDO:0019391.

Submission:

Labcorp Genetics (formerly Invitae), Labcorp
Classification: Uncertain significance for Fanconi anemia. Last evaluated: 2022-06-14. Review status: criteria provided, single submitter. Criteria: Invitae Variant Classification Sherloc (09022015). Collection method: clinical testing. Allele origin: germline.
Comment: This variant results in a copy number gain of the genomic region encompassing exon(s) 4-10 of the FANCB gene. This region includes the termination codon of the gene. This copy number gain extends beyond the assayed region for this gene and therefore may encompass additional genes. As the precise location of this event is unknown, it may be in tandem or it may be located elsewhere in the genome. This variant has not been reported in the literature in individuals affected with FANCB-related conditions. In summary, the available evidence is currently insufficient to determine the role of this variant in disease. Therefore, it has been classified as a Variant of Uncertain Significance.